The following is an entry in ClinVar:

ClinVar aggregate classification (germline): Uncertain significance (1 of 4 stars; one submission).

Submission:

Labcorp Genetics (formerly Invitae), Labcorp
Classification: Uncertain significance. Last evaluated: 2025-09-29. Review status: criteria provided, single submitter. Criteria: Invitae Variant Classification Sherloc (09022015). Collection method: clinical testing. Allele origin: germline.
Comment: This sequence change replaces valine, which is neutral and non-polar, with glycine, which is neutral and non-polar, at codon 264 of the PMPCA protein (p.Val264Gly). This variant is not present in population databases (gnomAD no frequency). This variant has not been reported in the literature in individuals affected with PMPCA-related conditions. Invitae Evidence Modeling of protein sequence and biophysical properties (such as structural, functional, and spatial information, amino acid conservation, physicochemical variation, residue mobility, and thermodynamic stability) indicates that this missense variant is expected to disrupt PMPCA protein function with a positive predictive value of 80%. In summary, the available evidence is currently insufficient to determine the role of this variant in disease. Therefore, it has been classified as a Variant of Uncertain Significance.

NM_015160.3(PMPCA):c.791T>G (p.Val264Gly)

Genes: PMPCA (peptidase, mitochondrial processing subunit alpha; plus strand), LOC126860792 (CDK7 strongly-dependent group 2 enhancer GRCh37_chr9:139310410-139311609; plus strand). Cytogenetic location: 9q34.3.
Variant type: single nucleotide variant.
Coding change: c.791T>G on transcript NM_015160.3 (MANE Select); coding-DNA position 791, T replaced by G.
Protein change: p.Val264Gly; replaces valine 264 with glycine.
Molecular consequence: missense variant.
Genome position (GRCh38, 1-based): chr9:136,417,108, T>G. VCF-style: chr9-136417108-T-G. GRCh37 (hg19) VCF-style: chr9-139311560-T-G.
Other names: c.398T>G, p.Val133Gly (NM_001282944.2); c.491T>G, p.Val164Gly (NM_001282946.2); short protein forms V264G, V133G, V164G.
Identifiers: ClinVar variation 4744471 (VCV004744471.1).
Genomic context (GRCh38, chr9:136,417,108, plus strand): 5'-ACTACTACACTCCCGACCGCATGGTGCTGGCCGGCGTGGGCGTGGAGCACGAGCATCTGG[T>G]GGACTGTGCCCGGAAGTACCTCCTGGGGGTCCAGCCGGCCTGGGGGAGCGCAGAGGCCGT-3'
Protein context (NP_055975.1, residues 254-274): AGVGVEHEHL[Val264Gly]DCARKYLLGV